The following is an entry in ClinVar:

NM_182643.3(DLC1):c.4207G>A (p.Glu1403Lys)

Gene: DLC1 (DLC1 Rho GTPase activating protein; minus strand). Cytogenetic location: 8p22.
Variant type: single nucleotide variant.
Coding change: c.4207G>A on transcript NM_182643.3 (MANE Select); coding-DNA position 4207, G replaced by A.
Protein change: p.Glu1403Lys; replaces glutamic acid 1403 with lysine.
Molecular consequence: missense variant.
Genome position (GRCh38, 1-based): chr8:13,088,572, C>T on the plus strand (G>A on the coding strand, the complement: DLC1 is on the minus strand). VCF-style: chr8-13088572-C-T. GRCh37 (hg19) VCF-style: chr8-12946081-C-T.
Other names: c.2674G>A, p.Glu892Lys (NM_001164271.2, NM_001348082.2, NM_001348083.1 and 6 more transcripts); c.2998G>A, p.Glu1000Lys (NM_001316668.2); c.4207G>A, p.Glu1403Lys (NM_001348081.2, NM_001413124.1); c.2779G>A, p.Glu927Lys (NM_001413129.1); c.2989G>A, p.Glu997Lys (NM_001413130.1); c.2647G>A, p.Glu883Lys (NM_001413131.1, NM_001413137.1); c.3133G>A, p.Glu1045Lys (NM_001413132.1); c.2896G>A, p.Glu966Lys (NM_001413135.1, NM_006094.5); and 2 more; short protein forms E1045K, E997K, E1011K, E966K, E1000K, E1403K, E883K, E893K.
Identifiers: ClinVar variation 2195152 (VCV002195152.4), dbSNP rs760440807, ClinGen allele CA4637995.

ClinVar aggregate classification (germline): Uncertain significance (1 of 4 stars; one submission).

Allele frequency attached by ClinVar (database versions not stated): gnomAD exomes below 0.00001; gnomAD 0.00001; TOPMed 0.00001; ExAC 0.00002.
gnomAD v4.1: 8 of 1,614,166 alleles (0.0005%); highest among the groups gnomAD compares: Middle Eastern, 0.016%; no homozygotes.

Submission:

Labcorp Genetics (formerly Invitae), Labcorp
Classification: Uncertain significance. Last evaluated: 2024-10-24. Review status: criteria provided, single submitter. Criteria: Invitae Variant Classification Sherloc (09022015). Collection method: clinical testing. Allele origin: germline.
Comment: This sequence change replaces glutamic acid, which is acidic and polar, with lysine, which is basic and polar, at codon 1403 of the DLC1 protein (p.Glu1403Lys). This variant is present in population databases (rs760440807, gnomAD 0.003%). This variant has not been reported in the literature in individuals affected with DLC1-related conditions. This variant is also known as E966K. ClinVar contains an entry for this variant (Variation ID: 2195152). An algorithm developed to predict the effect of missense changes on protein structure and function (PolyPhen-2) suggests that this variant is likely to be disruptive. Experimental studies have shown that this missense change affects DLC1 function (PMID: 32606003, 34727930). In summary, the available evidence is currently insufficient to determine the role of this variant in disease. Therefore, it has been classified as a Variant of Uncertain Significance.

Literature cited by the submitters: PubMed 32606003; PubMed 34727930.